The following is an entry in ClinVar:

ClinVar aggregate classification (germline): Benign/Likely benign. Review status: criteria provided, multiple submitters, no conflicts (2 of 4 stars). 6 submissions from 6 submitters: Benign (1); Likely benign (4). 1 of the submissions does not count toward it. Last evaluated 2025-11-11.

Conditions:
Familial cancer of breast. Also called: BREAST CANCER, FAMILIAL; hereditary breast carcinoma; Hereditary breast cancer. Identifiers: Orphanet 227535, MedGen C0346153, MONDO:0016419, OMIM 114480. Disease mechanism: loss of function.
CHEK2-related disorder.
Hereditary cancer-predisposing syndrome. Also called: Neoplastic Syndromes, Hereditary; Tumor predisposition; Hereditary Cancer Syndrome; Hereditary neoplastic syndrome. Identifiers: Orphanet 140162, MedGen C0027672, MeSH D009386, MONDO:0015356.

Allele frequency attached by ClinVar (database versions not stated): gnomAD exomes below 0.00001.
gnomAD v4.1: 2 of 1,613,912 alleles (0.00012%); highest among the groups gnomAD compares: Non-Finnish European, 0.00017%; no homozygotes.

Submissions (6):

Labcorp Genetics (formerly Invitae), Labcorp
Classification: Likely benign for Familial cancer of breast. Last evaluated: 2025-11-11. Review status: criteria provided, single submitter. Criteria: Invitae Variant Classification Sherloc (09022015). Collection method: clinical testing. Allele origin: germline.

Color Diagnostics, LLC DBA Color Health
Classification: Likely benign for Hereditary cancer-predisposing syndrome. Last evaluated: 2025-08-07. Review status: criteria provided, single submitter. Criteria: ACMG Guidelines, 2015. Collection method: clinical testing. Allele origin: germline.

Myriad Genetics, Inc.
Classification: Benign for Familial cancer of breast. Last evaluated: 2024-10-01. Review status: criteria provided, single submitter. Criteria: Myriad Autosomal Dominant, Autosomal Recessive and X-Linked Classification Criteria (2023). Collection method: clinical testing. Allele origin: unknown.
Comment: This variant is considered benign. This variant is a silent/synonymous amino acid change and it is not expected to impact splicing.

GeneDx
Classification: Likely benign. Last evaluated: 2017-08-23. Review status: criteria provided, single submitter. Criteria: GeneDx Variant Classification (06012015). Collection method: clinical testing. Allele origin: germline. Affected: yes.
Comment: This variant is considered likely benign or benign based on one or more of the following criteria: it is a conservative change, it occurs at a poorly conserved position in the protein, it is predicted to be benign by multiple in silico algorithms, and/or has population frequency not consistent with disease.

Ambry Genetics
Classification: Likely benign for Hereditary cancer-predisposing syndrome. Last evaluated: 2015-08-21. Review status: criteria provided, single submitter. Criteria: Ambry Variant Classification Scheme 2023. Collection method: clinical testing. Allele origin: germline.

PreventionGenetics, part of Exact Sciences
Classification: Likely benign for CHEK2-related condition. Last evaluated: 2021-06-15. Review status: no assertion criteria provided. Collection method: clinical testing. Allele origin: germline. Not counted in ClinVar's aggregate classification.
Comment: This variant is classified as likely benign based on ACMG/AMP sequence variant interpretation guidelines (Richards et al. 2015 PMID: 25741868, with internal and published modifications).

NM_007194.4(CHEK2):c.27T>C (p.Ala9=)

Gene: CHEK2 (checkpoint kinase 2; minus strand). Cytogenetic location: 22q12.1.
Variant type: single nucleotide variant.
Coding change: c.27T>C on transcript NM_007194.4 (MANE Select); coding-DNA position 27, T replaced by C.
Protein change: p.Ala9=; no amino-acid change (alanine 9 retained).
Molecular consequence: synonymous variant.
Genome position (GRCh38, 1-based): chr22:28,734,695, A>G on the plus strand (T>C on the coding strand, the complement: CHEK2 is on the minus strand). VCF-style: chr22-28734695-A-G. GRCh37 (hg19) VCF-style: chr22-29130683-A-G.
Other names: c.27T>C, p.Ala9= (NM_001005735.3, NM_001349956.3, NM_145862.3); c.-751T>C (NM_001257387.3).
Identifiers: ClinVar variation 233575 (VCV000233575.20), dbSNP rs876660497, ClinGen allele CA10581118.